The following is an entry in ClinVar:

ClinVar aggregate classification (germline): Uncertain significance (1 of 4 stars; one submission).

Submission:

Labcorp Genetics (formerly Invitae), Labcorp
Classification: Uncertain significance. Last evaluated: 2024-02-06. Review status: criteria provided, single submitter. Criteria: Invitae Variant Classification Sherloc (09022015). Collection method: clinical testing. Allele origin: germline.
Comment: This sequence change creates a premature translational stop signal (p.Lys1098Argfs*4) in the CCDC141 gene. It is expected to result in an absent or disrupted protein product. However, the current clinical and genetic evidence is not sufficient to establish whether loss-of-function variants in CCDC141 cause disease. This variant is not present in population databases (gnomAD no frequency). This variant has not been reported in the literature in individuals affected with CCDC141-related conditions. ClinVar contains an entry for this variant (Variation ID: 1408487). In summary, the available evidence is currently insufficient to determine the role of this variant in disease. Therefore, it has been classified as a Variant of Uncertain Significance.

NM_173648.4(CCDC141):c.3293_3294del (p.Lys1098fs)

Gene: CCDC141 (coiled-coil domain containing 141; minus strand). Cytogenetic location: 2q31.2.
Variant type: Deletion.
Coding change: c.3293_3294del on transcript NM_173648.4 (MANE Select); coding-DNA positions 3293 to 3294, 2 bases deleted (AA; older notation c.3293_3294delAA).
Protein change: p.Lys1098fs; shifts the reading frame from lysine 1098.
Molecular consequence: frameshift variant.
Genome position (GRCh38, 1-based): chr2:178,850,112-178,850,113, TT deleted on the plus strand (AA on the coding strand, the reverse complement: CCDC141 is on the minus strand); deleting any 2 consecutive bases within chr2:178,850,112-178,850,114 gives the same sequence; the c. name uses the placement nearest the transcript's 3' end. VCF-style (leftmost placement, unchanged base first): chr2-178850111-CTT-C. GRCh37 (hg19) VCF-style: chr2-179714838-CTT-C.
Other names: short protein forms K1098fs.
Identifiers: ClinVar variation 1408487 (VCV001408487.6), dbSNP rs762108227, ClinGen allele CA60985744.